The following is an entry in ClinVar:

NM_014240.3(LIMD1):c.1394A>G (p.Lys465Arg)

Gene: LIMD1 (LIM domain containing 1; plus strand). Cytogenetic location: 3p21.31.
Variant type: single nucleotide variant.
Coding change: c.1394A>G on transcript NM_014240.3 (MANE Select); coding-DNA position 1394, A replaced by G.
Protein change: p.Lys465Arg; replaces lysine 465 with arginine.
Molecular consequence: missense variant.
Genome position (GRCh38, 1-based): chr3:45,596,273, A>G. VCF-style: chr3-45596273-A-G. GRCh37 (hg19) VCF-style: chr3-45637765-A-G.
Other names: short protein forms K465R.
Identifiers: ClinVar variation 709851 (VCV000709851.28), dbSNP rs114236922, ClinGen allele CA2350303.

ClinVar aggregate classification (germline): Benign/Likely benign. Review status: criteria provided, multiple submitters, no conflicts (2 of 4 stars). 3 submissions from 3 submitters: Benign (2); Likely benign (1). Last evaluated 2023-03-01.

Allele frequency attached by ClinVar (database versions not stated): 1000 Genomes Project 0.00260; 1000 Genomes Project 30x 0.00281; ESP Exome Variant Server 0.00377; TOPMed 0.00471; gnomAD exomes 0.00544 and 0.00689; gnomAD 0.00564 and 0.00576; ExAC 0.00788.

Submissions (3):

CeGaT Center for Human Genetics Tuebingen
Classification: Likely benign. Last evaluated: 2023-03-01. Review status: criteria provided, single submitter. Criteria: CeGaT Center For Human Genetics Tuebingen Variant Classification Criteria Version 2. Collection method: clinical testing. Allele origin: germline. Affected: yes. Observed: 1 variant allele.
Comment: LIMD1: BS2

Labcorp Genetics (formerly Invitae), Labcorp
Classification: Benign. Last evaluated: 2018-12-04. Review status: criteria provided, single submitter. Criteria: Invitae Variant Classification Sherloc (09022015). Collection method: clinical testing. Allele origin: germline.

Breakthrough Genomics
Classification: Benign. Review status: criteria provided, single submitter. Criteria: ACMG Guidelines, 2015. Collection method: not provided. Allele origin: germline. Inheritance: Unknown mechanism. Affected: yes.